The following is an entry in ClinVar:

NM_004646.4(NPHS1):c.2114dup (p.His705fs)

Gene: NPHS1 (NPHS1 adhesion molecule, nephrin; minus strand). Cytogenetic location: 19q13.12.
Variant type: Duplication.
Coding change: c.2114dup on transcript NM_004646.4 (MANE Select); coding-DNA position 2114, one base duplicated (A; older notation c.2114dupA).
Protein change: p.His705fs; shifts the reading frame from histidine 705.
Molecular consequence: frameshift variant.
Genome position (GRCh38, 1-based): chr19:35,844,201, T duplicated on the plus strand (A on the coding strand, the reverse complement: NPHS1 is on the minus strand). VCF-style (leftmost placement, unchanged base first): chr19-35844200-A-AT. GRCh37 (hg19) VCF-style: chr19-36335102-A-AT.
Other names: short protein forms H705fs.
Identifiers: ClinVar variation 1724406 (VCV001724406.3), dbSNP rs2513771606, ClinGen allele CA2580096827.

ClinVar aggregate classification (germline): Likely pathogenic. Review status: criteria provided, multiple submitters, no conflicts (2 of 4 stars). 2 submissions from 2 submitters: Likely pathogenic (2). Last evaluated 2024-06-16.

Conditions:
Finnish congenital nephrotic syndrome (NPHS1). Also called: NEPHROTIC SYNDROME, TYPE 1. Identifiers: Orphanet 839, MedGen C0403399, MONDO:0009732, OMIM 256300.

Submissions (2):

Fulgent Genetics
Classification: Likely pathogenic for Finnish congenital nephrotic syndrome. Last evaluated: 2024-06-16. Review status: criteria provided, single submitter. Criteria: ACMG Guidelines, 2015. Collection method: clinical testing. Allele origin: germline.

Myriad Genetics, Inc.
Classification: Likely pathogenic for Finnish congenital nephrotic syndrome. Last evaluated: 2021-11-11. Review status: criteria provided, single submitter. Criteria: Myriad Women's Health Autosomal Recessive and X-Linked Classification Criteria (2021). Collection method: clinical testing. Allele origin: unknown.
Comment: NM_004646.3(NPHS1):c.2114dupA(H705Qfs*21) is expected to be pathogenic in the context of nephrotic syndrome, NPHS1-related. This variant is predicted to lead to an abnormal or absent protein product due to the creation of a premature termination codon in NPHS1, a gene where loss-of-function variants are known to be pathogenic. Please note: this variant was assessed in the context of healthy population screening.